The following is an entry in ClinVar:

ClinVar aggregate classification (germline): Uncertain significance. Review status: criteria provided, multiple submitters, no conflicts (2 of 4 stars). 2 submissions from 2 submitters: Uncertain significance (2). Last evaluated 2024-07-31.

gnomAD v4.1: 9 of 1,613,754 alleles (0.00056%); highest among the groups gnomAD compares: South Asian, 0.0022%; no homozygotes.

Submissions (2):

Blueprint Genetics
Classification: Uncertain significance. Last evaluated: 2024-07-31. Review status: criteria provided, single submitter. Criteria: ACMG Guidelines, 2015. Collection method: clinical testing. Allele origin: germline.

Labcorp Genetics (formerly Invitae), Labcorp
Classification: Uncertain significance. Last evaluated: 2022-05-27. Review status: criteria provided, single submitter. Criteria: Invitae Variant Classification Sherloc (09022015). Collection method: clinical testing. Allele origin: germline.
Comment: In summary, the available evidence is currently insufficient to determine the role of this variant in disease. Therefore, it has been classified as a Variant of Uncertain Significance. Algorithms developed to predict the effect of missense changes on protein structure and function (SIFT, PolyPhen-2, Align-GVGD) all suggest that this variant is likely to be tolerated. This variant has not been reported in the literature in individuals affected with PDE6A-related conditions. This variant is present in population databases (rs200858325, gnomAD 0.01%). This sequence change replaces alanine, which is neutral and non-polar, with valine, which is neutral and non-polar, at codon 364 of the PDE6A protein (p.Ala364Val).

NM_000440.3(PDE6A):c.1091C>T (p.Ala364Val)

Gene: PDE6A (phosphodiesterase 6A; minus strand). Cytogenetic location: 5q32.
Variant type: single nucleotide variant.
Coding change: c.1091C>T on transcript NM_000440.3 (MANE Select); coding-DNA position 1091, C replaced by T.
Protein change: p.Ala364Val; replaces alanine 364 with valine.
Molecular consequence: missense variant.
Genome position (GRCh38, 1-based): chr5:149,903,670, G>A on the plus strand (C>T on the coding strand, the complement: PDE6A is on the minus strand). VCF-style: chr5-149903670-G-A. GRCh37 (hg19) VCF-style: chr5-149283233-G-A.
Other names: short protein forms A364V.
Identifiers: ClinVar variation 1413022 (VCV001413022.7), dbSNP rs200858325, ClinGen allele CA3504791.